The following is an entry in ClinVar:

NM_004924.6(ACTN4):c.1555A>T (p.Thr519Ser)

Gene: ACTN4 (actinin alpha 4; plus strand). Cytogenetic location: 19q13.2.
Variant type: single nucleotide variant.
Coding change: c.1555A>T on transcript NM_004924.6 (MANE Select); coding-DNA position 1555, A replaced by T.
Protein change: p.Thr519Ser; replaces threonine 519 with serine.
Molecular consequence: missense variant.
Genome position (GRCh38, 1-based): chr19:38,723,940, A>T. VCF-style: chr19-38723940-A-T. GRCh37 (hg19) VCF-style: chr19-39214580-A-T.
Other names: c.1555A>T, p.Thr519Ser (NM_001322033.2); short protein forms T519S.
Identifiers: ClinVar variation 1500191 (VCV001500191.6), dbSNP rs2145090884, ClinGen allele CA405694105.

ClinVar aggregate classification (germline): Uncertain significance (1 of 4 stars; one submission).

Submission:

Labcorp Genetics (formerly Invitae), Labcorp
Classification: Uncertain significance. Last evaluated: 2021-01-04. Review status: criteria provided, single submitter. Criteria: Invitae Variant Classification Sherloc (09022015). Collection method: clinical testing. Allele origin: germline.
Comment: This sequence change replaces threonine with serine at codon 519 of the ACTN4 protein (p.Thr519Ser). The threonine residue is highly conserved and there is a small physicochemical difference between threonine and serine. In summary, the available evidence is currently insufficient to determine the role of this variant in disease. Therefore, it has been classified as a Variant of Uncertain Significance. Algorithms developed to predict the effect of missense changes on protein structure and function are either unavailable or do not agree on the potential impact of this missense change (SIFT: "Not Available"; PolyPhen-2: "Benign"; Align-GVGD: "Not Available"). This variant has not been reported in the literature in individuals with ACTN4-related conditions. This variant is not present in population databases (ExAC no frequency).